The following is an entry in ClinVar:

ClinVar aggregate classification (germline): Conflicting classifications of pathogenicity. Review status: criteria provided, conflicting classifications (1 of 4 stars). 4 submissions from 4 submitters: Pathogenic (2); Likely pathogenic (1); Uncertain significance (1). Last evaluated 2026-02-23.

Conditions:
Intellectual developmental disorder, autosomal dominant 50, with behavioral abnormalities. Also called: MENTAL RETARDATION, AUTOSOMAL DOMINANT 50; Intellectual disability, autosomal dominant 50. Identifiers: MedGen C4540470, MONDO:0030916, OMIM 617787.
NAA15-related disorder.

Submissions (4):

Victorian Clinical Genetics Services, Murdoch Childrens Research Institute
Classification: Pathogenic for Intellectual developmental disorder, autosomal dominant 50, with behavioral abnormalities. Last evaluated: 2026-02-23. Review status: criteria provided, single submitter. Criteria: ACMG Guidelines, 2015. Collection method: clinical testing. Allele origin: germline. Affected: yes.
Comment: This variant is classified as Pathogenic. Evidence in support of pathogenic classification: Canonical splice site variant without proven consequence on splicing (no functional evidence available); Variant is absent from gnomAD (v2, v3 and v4); This variant has limited previous evidence of pathogenicity in unrelated individuals. This variant has been classified as pathogenic by a clinical laboratory in ClinVar, and reported as de novo in the literature in an individual with autism (PMID: 39334436); Other canonical splice site variants comparable to the one identified in this case have moderate previous evidence for pathogenicity. The c.692-2del variant has been classified as pathogenic by a clinical laboratory in ClinVar, and the c.692-1G>T variant has been reported as de novo in the literature in an individual with autism and global developmental delay (PMID: 37130971); Abnormal splicing is predicted by in silico tool and affected nucleotide is highly conserved; Additional information: This variant is heterozygous; This gene is associated with autosomal dominant disease; No published functional evidence has been identified for this variant; Loss of function is a known mechanism of disease in this gene and is associated with intellectual developmental disorder, autosomal dominant 50, with behavioural abnormalities (MIM#617787); Variants in this gene are known to have variable expressivity (OMIM).

Blueprint Genetics
Classification: Likely pathogenic for NAA15-related disorders. Last evaluated: 2021-11-16. Review status: criteria provided, single submitter. Criteria: ACMG Guidelines, 2015. Collection method: clinical testing. Allele origin: germline. Affected: yes. Observed: 5 variant alleles.

GeneDx
Classification: Pathogenic. Last evaluated: 2021-11-16. Review status: criteria provided, single submitter. Criteria: GeneDx Variant Classification Process June 2021. Collection method: clinical testing. Allele origin: germline. Affected: yes.
Comment: Canonical splice site variant predicted to result in an in-frame deletion of a critical region; Not observed in large population cohorts (Lek et al., 2016); Has not been previously published as pathogenic or benign to our knowledge

Juno Genomics, Hangzhou Juno Genomics, Inc
Classification: Uncertain significance for Intellectual developmental disorder, autosomal dominant 50, with behavioral abnormalities. Review status: criteria provided, single submitter. Criteria: ACMG Guidelines, 2015. Collection method: clinical testing. Allele origin: germline.
Comment: Null variant in a gene where loss of function (LOF) is a known mechanism of disease.;Absent from controls (or at extremely low frequency if recessive) in Genome Aggregation Database.

Literature cited by the submitters: PubMed 37130971 (cited by Victorian Clinical Genetics Services, Murdoch Childrens Research Institute); PubMed 39334436 (cited by Victorian Clinical Genetics Services, Murdoch Childrens Research Institute).

NM_057175.5(NAA15):c.692-2_692-1del

Gene: NAA15 (N-alpha-acetyltransferase 15, NatA auxiliary subunit; plus strand). Cytogenetic location: 4q31.1.
Variant type: Deletion.
Coding change: c.692-2_692-1del on transcript NM_057175.5 (MANE Select); the canonical splice acceptor site of the intron before coding-DNA position 692, 2 bases deleted (AG; older notation c.692-2_692-1delAG).
Molecular consequence: splice acceptor variant.
Genome position (GRCh38, 1-based): chr4:139,349,460-139,349,461, AG deleted. VCF-style (leftmost placement, unchanged base first): chr4-139349459-CAG-C. GRCh37 (hg19) VCF-style: chr4-140270613-CAG-C.
Identifiers: ClinVar variation 1326070 (VCV001326070.8), dbSNP rs2110930005, ClinGen allele CA2573052299.